The following is an entry in ClinVar:

NM_000129.4(F13A1):c.2036A>T (p.Lys679Met)

Gene: F13A1 (coagulation factor XIII A chain; minus strand). Cytogenetic location: 6p25.1.
Variant type: single nucleotide variant.
Coding change: c.2036A>T on transcript NM_000129.4 (MANE Select); coding-DNA position 2036, A replaced by T.
Protein change: p.Lys679Met; replaces lysine 679 with methionine.
Molecular consequence: missense variant.
Genome position (GRCh38, 1-based): chr6:6,151,822, T>A on the plus strand (A>T on the coding strand, the complement: F13A1 is on the minus strand). VCF-style: chr6-6151822-T-A. GRCh37 (hg19) VCF-style: chr6-6152055-T-A.
Other names: short protein forms K679M.
Identifiers: ClinVar variation 909573 (VCV000909573.6), dbSNP rs201302247, ClinGen allele CA3624169.
Genomic context (GRCh38, chr6:6,151,822, plus strand): 5'-GCTTCCCACAGCCCTGCACTGCCTGCCCGGTCTCCCCAACCCAAGGTTTACCGGAACATC[T>A]TCTTCATTGGTCTTGTTACTCCAGGACCATCCAGGTGTACCCAGACATTTCGCAGGGTTT-3'
Protein context (NP_000120.2, residues 669-689): DGPGVTRPMK[Lys679Met]MFREIRPNST

ClinVar aggregate classification (germline): Uncertain significance. Review status: criteria provided, multiple submitters, no conflicts (2 of 4 stars). 3 submissions from 3 submitters: Uncertain significance (3). Last evaluated 2026-09-11.

Conditions:
Thrombophilia due to thrombin defect (THPH1). Also called: Thrombosis susceptibility; THROMBOPHILIA DUE TO FACTOR 2 DEFECT; Prothrombin-Related Thrombophilia (Factor II); Prothrombin Thrombophilia. Identifiers: MedGen C3160733, MONDO:0008559, OMIM 188050. Disease mechanism: gain of function, loss of function.
Factor XIII, A subunit, deficiency of. Also called: Factor XIII subunit A deficiency. Identifiers: Orphanet 331, MedGen C2750514, MONDO:0013187, OMIM 613225, HP:0040233.
F13A1-related disorder. Also called: F13A1-related condition.

Allele frequency attached by ClinVar (database versions not stated): ExAC 0.00018; gnomAD exomes 0.00021 and 0.00010; gnomAD 0.00010 and 0.00011; TOPMed 0.00014; ESP Exome Variant Server 0.00015.
gnomAD v4.1: 189 of 1,613,966 alleles (0.012%); highest among the groups gnomAD compares: Admixed American, 0.0067%; no homozygotes.

Submissions (3):

PreventionGenetics, part of Exact Sciences
Classification: Uncertain significance for F13A1-related condition. Last evaluated: 2026-09-11. Review status: criteria provided, single submitter. Criteria: ACMG Guidelines, 2015. Collection method: clinical testing. Allele origin: germline.
Comment: The F13A1 c.2036A>T variant is predicted to result in the amino acid substitution p.Lys679Met. This variant has been reported as co-segregating with disease in multiple individuals from two families with dermatofibromas (Figure S1, Supsrisunjai et al. 2020. PubMed ID: 31493396). An in vitro experimental study suggests this variant reduces protein activity (Supsrisunjai et al. 2020. PubMed ID: 31493396). This variant is reported in 0.40% of alleles in individuals of Ashkenazi Jewish descent in gnomAD. At this time, the clinical significance of this variant is uncertain due to the absence of conclusive functional and genetic evidence.

Department of Pathology and Laboratory Medicine, Sinai Health System
Classification: Uncertain significance for Thrombophilia due to thrombin defect; Factor XIII, A subunit, deficiency of. Last evaluated: 2023-04-21. Review status: criteria provided, single submitter. Criteria: ACMG Guidelines, 2015. Collection method: research. Allele origin: germline.

Illumina Laboratory Services, Illumina
Classification: Uncertain significance for Factor XIII, A subunit, deficiency of. Last evaluated: 2017-04-27. Review status: criteria provided, single submitter. Criteria: ICSL Variant Classification Criteria 13 December 2019. Collection method: clinical testing. Allele origin: germline.